The following is an entry in ClinVar:

ClinVar aggregate classification (germline): Uncertain significance (1 of 4 stars; one submission).

Conditions:
Early Myoclonic Encephalopathy. Identifiers: MedGen C0270855.

Submission:

Labcorp Genetics (formerly Invitae), Labcorp
Classification: Uncertain significance for Early Myoclonic Encephalopathy. Last evaluated: 2024-10-21. Review status: criteria provided, single submitter. Criteria: Invitae Variant Classification Sherloc (09022015). Collection method: clinical testing. Allele origin: germline.
Comment: This sequence change replaces arginine, which is basic and polar, with threonine, which is neutral and polar, at codon 1184 of the JMJD1C protein (p.Arg1184Thr). This variant is not present in population databases (gnomAD no frequency). This variant has not been reported in the literature in individuals affected with JMJD1C-related conditions. ClinVar contains an entry for this variant (Variation ID: 2105494). Invitae Evidence Modeling of protein sequence and biophysical properties (such as structural, functional, and spatial information, amino acid conservation, physicochemical variation, residue mobility, and thermodynamic stability) has been performed for this missense variant. However, the output from this modeling did not meet the statistical confidence thresholds required to predict the impact of this variant on JMJD1C protein function. In summary, the available evidence is currently insufficient to determine the role of this variant in disease. Therefore, it has been classified as a Variant of Uncertain Significance.

NM_032776.3(JMJD1C):c.3551G>C (p.Arg1184Thr)

Gene: JMJD1C (jumonji domain containing 1C; minus strand). Cytogenetic location: 10q21.3.
Variant type: single nucleotide variant.
Coding change: c.3551G>C on transcript NM_032776.3 (MANE Select); coding-DNA position 3551, G replaced by C.
Protein change: p.Arg1184Thr; replaces arginine 1184 with threonine.
Molecular consequence: missense variant. On other transcripts: non-coding transcript variant (1).
Genome position (GRCh38, 1-based): chr10:63,208,118, C>G on the plus strand (G>C on the coding strand, the complement: JMJD1C is on the minus strand). VCF-style: chr10-63208118-C-G. GRCh37 (hg19) VCF-style: chr10-64967878-C-G.
Other names: c.3005G>C, p.Arg1002Thr (NM_001282948.2, NM_001318154.2); c.2687G>C, p.Arg896Thr (NM_001318153.2); c.3437G>C, p.Arg1146Thr (NM_001322252.2); c.2894G>C, p.Arg965Thr (NM_001322254.2, NM_001322258.2); short protein forms R1002T, R1184T, R896T, R1146T, R965T.
Identifiers: ClinVar variation 2105494 (VCV002105494.4), dbSNP rs2492688984, ClinGen allele CA377041309.
Genomic context (GRCh38, chr10:63,208,118, plus strand): 5'-TGTAATGCAGGCATACTGCGGAGTGTATTTGTAGAAGAAACTGTCAAATGGGTAGGACTC[C>G]TACAATCATTTCTGAAGGTTGTTACTGAGTGAGATGCAATCTGATGTGGAAGATGTTCTG-3'
Protein context (NP_116165.1, residues 1174-1194): HSVTTFRNDC[Arg1184Thr]SPTHLTVSST